The following is an entry in ClinVar:

NM_024721.5(ZFHX4):c.4939C>T (p.Gln1647Ter)

Gene: ZFHX4 (zinc finger homeobox 4; plus strand). Cytogenetic location: 8q21.13.
Variant type: single nucleotide variant.
Coding change: c.4939C>T on transcript NM_024721.5 (MANE Select); coding-DNA position 4939, C replaced by T.
Protein change: p.Gln1647Ter; replaces glutamine 1647 with a stop codon.
Molecular consequence: nonsense.
Genome position (GRCh38, 1-based): chr8:76,851,860, C>T. VCF-style: chr8-76851860-C-T. GRCh37 (hg19) VCF-style: chr8-77764096-C-T.
Other names: short protein forms Q1647*.
Identifiers: ClinVar variation 1062759 (VCV001062759.7), dbSNP rs2131943456, ClinGen allele CA371504001.
Genomic context (GRCh38, chr8:76,851,860, plus strand): 5'-GAGCCCAGTGGTCATGTGGCTGGTGGGCACAGCATTGCAGCAAATGTCAACAGCCCTGGC[C>T]AGGGGATGTTAGATTCCATGAGTTTAGCAGCTGTAAACAGCAAAGATACCCATTTAGATG-3'

ClinVar aggregate classification (germline): Uncertain significance (1 of 4 stars; one submission).

Submission:

Labcorp Genetics (formerly Invitae), Labcorp
Classification: Uncertain significance. Last evaluated: 2017-08-16. Review status: criteria provided, single submitter. Criteria: Invitae Variant Classification Sherloc (09022015). Collection method: clinical testing. Allele origin: germline.
Comment: This sequence change creates a premature translational stop signal (p.Gln1647*) in the ZFHX4 gene. It is expected to result in an absent or disrupted protein product. This variant is not present in population databases (ExAC no frequency). This variant has not been reported in the literature in individuals with ZFHX4-related disease. The current clinical and genetic evidence is not sufficient to establish whether loss-of-function variants in ZFHX4 cause disease. In summary, the available evidence is currently insufficient to determine the role of this variant in disease. Therefore, it has been classified as a Variant of Uncertain Significance.